The following is an entry in ClinVar:

ClinVar aggregate classification (germline): Conflicting classifications of pathogenicity. Review status: criteria provided, conflicting classifications (1 of 4 stars). 6 submissions from 6 submitters: Uncertain significance (1); Benign (1); Likely benign (3). 1 of the submissions does not count toward it. Last evaluated 2026-01-28.

Conditions:
DYSF-related disorder. Also called: DYSF-related condition; DYSF-related disorders.
Neuromuscular disease caused by qualitative or quantitative defects of dysferlin. Also called: Dysferlinopathy; Qualitative or quantitative defects of dysferlin. Identifiers: Orphanet 207073, MedGen C2931687, MONDO:0016145.
Autosomal recessive limb-girdle muscular dystrophy type 2B (LGMDR2). Also called: Limb-Girdle Muscular Dystrophy Type 2B (LGMD2B); Limb-girdle muscular dystrophy, type 2B; MUSCULAR DYSTROPHY, LIMB-GIRDLE, TYPE 3; MUSCULAR DYSTROPHY, LIMB-GIRDLE, AUTOSOMAL RECESSIVE 2. Identifiers: Orphanet 268, MedGen C1850889, MONDO:0009676, OMIM 253601.

Allele frequency attached by ClinVar (database versions not stated): 1000 Genomes Project 0.00080; 1000 Genomes Project 30x 0.00094.
gnomAD v4.1: 212 of 1,614,076 alleles (0.013%); highest among the groups gnomAD compares: African/African-American, 0.26%; no homozygotes.

Submissions (6):

Labcorp Genetics (formerly Invitae), Labcorp
Classification: Benign for Neuromuscular disease caused by qualitative or quantitative defects of dysferlin. Last evaluated: 2026-01-28. Review status: criteria provided, single submitter. Criteria: Invitae Variant Classification Sherloc (09022015). Collection method: clinical testing. Allele origin: germline.

PreventionGenetics, part of Exact Sciences
Classification: Likely benign for DYSF-related condition. Last evaluated: 2024-11-04. Review status: criteria provided, single submitter. Criteria: ACMG Guidelines, 2015. Collection method: clinical testing. Allele origin: germline.
Comment: This variant is classified as likely benign based on ACMG/AMP sequence variant interpretation guidelines (Richards et al. 2015 PMID: 25741868, with internal and published modifications).

Blueprint Genetics
Classification: Likely benign. Last evaluated: 2022-06-20. Review status: criteria provided, single submitter. Criteria: ACMG Guidelines, 2015. Collection method: clinical testing. Allele origin: germline.

GeneDx
Classification: Likely benign. Last evaluated: 2018-03-20. Review status: criteria provided, single submitter. Criteria: GeneDx Variant Classification (06012015). Collection method: clinical testing. Allele origin: germline. Affected: yes.
Comment: This variant is considered likely benign or benign based on one or more of the following criteria: it is a conservative change, it occurs at a poorly conserved position in the protein, it is predicted to be benign by multiple in silico algorithms, and/or has population frequency not consistent with disease.

Eurofins Ntd Llc (ga)
Classification: Uncertain significance. Last evaluated: 2016-08-18. Review status: criteria provided, single submitter. Criteria: EGL Classification Definitions 2015. Collection method: clinical testing. Allele origin: germline. Observed: 1 variant allele, 1 heterozygote.

Natera, Inc.
Classification: Likely benign for Limb-girdle muscular dystrophy type 2B. Last evaluated: 2020-02-14. Review status: no assertion criteria provided. Collection method: clinical testing. Allele origin: germline. Not counted in ClinVar's aggregate classification.

NM_001130987.2(DYSF):c.1518C>A (p.Ile506=)

Gene: DYSF (dysferlin; plus strand). Cytogenetic location: 2p13.2.
Variant type: single nucleotide variant.
Coding change: c.1518C>A on transcript NM_001130987.2 (MANE Select); coding-DNA position 1518, C replaced by A.
Protein change: p.Ile506=; no amino-acid change (isoleucine 506 retained).
Molecular consequence: synonymous variant.
Genome position (GRCh38, 1-based): chr2:71,539,181, C>A. VCF-style: chr2-71539181-C-A. GRCh37 (hg19) VCF-style: chr2-71766311-C-A.
Other names: c.1425C>A, p.Ile475= (NM_001130455.2, NM_001130983.2, NM_001130984.2 and 1 more transcripts); c.1422C>A, p.Ile474= (NM_001130976.2, NM_001130977.2, NM_001130978.2 and 1 more transcripts); c.1515C>A, p.Ile505= (NM_001130979.2, NM_001130980.2, NM_001130981.2); c.1518C>A, p.Ile506= (NM_001130982.2, NM_001130985.2).
Identifiers: ClinVar variation 290116 (VCV000290116.22), dbSNP rs34387018, ClinGen allele CA1705798.